The following is an entry in ClinVar:

ClinVar aggregate classification (germline): Benign/Likely benign. Review status: criteria provided, multiple submitters, no conflicts (2 of 4 stars). 7 submissions from 7 submitters: Benign (1); Likely benign (6). Last evaluated 2026-01-19.

Conditions:
Hereditary cancer-predisposing syndrome. Also called: Neoplastic Syndromes, Hereditary; Hereditary neoplastic syndrome; Tumor predisposition; Hereditary Cancer Syndrome. Identifiers: Orphanet 140162, MedGen C0027672, MeSH D009386, MONDO:0015356.
Peutz-Jeghers syndrome (PJS). Also called: POLYPOSIS, HAMARTOMATOUS INTESTINAL; POLYPS-AND-SPOTS SYNDROME; Peutz-Jeghers polyposis; Periorificial lentiginosis syndrome. Identifiers: Orphanet 2869, MedGen C0031269, MeSH D010580, MONDO:0008280, OMIM 175200.

Allele frequency attached by ClinVar (database versions not stated): gnomAD 0.00001; TOPMed 0.00001.
gnomAD v4.1: 4 of 1,609,194 alleles (0.00025%); highest among the groups gnomAD compares: African/African-American, 0.004%; no homozygotes.

Submissions (7):

Labcorp Genetics (formerly Invitae), Labcorp
Classification: Likely benign for Peutz-Jeghers syndrome. Last evaluated: 2026-01-19. Review status: criteria provided, single submitter. Criteria: Invitae Variant Classification Sherloc (09022015). Collection method: clinical testing. Allele origin: germline.

Myriad Genetics, Inc.
Classification: Benign for Peutz-Jeghers syndrome. Last evaluated: 2025-03-24. Review status: criteria provided, single submitter. Criteria: Myriad Autosomal Dominant, Autosomal Recessive and X-Linked Classification Criteria (2023). Collection method: clinical testing. Allele origin: unknown.
Comment: This variant is considered benign. This variant is a silent/synonymous amino acid change and it is not expected to impact splicing.

Institute for Biomarker Research, Medical Diagnostic Laboratories, L.L.C.
Classification: Likely benign for Hereditary cancer-predisposing syndrome. Last evaluated: 2024-03-19. Review status: criteria provided, single submitter. Criteria: ACMG Guidelines, 2015. Collection method: clinical testing. Allele origin: germline.

All of Us Research Program, National Institutes of Health
Classification: Likely benign for Peutz-Jeghers syndrome. Last evaluated: 2023-05-30. Review status: criteria provided, single submitter. Criteria: ACMG Guidelines, 2015. Collection method: clinical testing. Allele origin: germline. Inheritance: Autosomal dominant inheritance. Observed: 1 variant allele, 1 heterozygote.
Comment: This study involves interpretation of variants in research participants for the purpose of population health screening. Participant phenotype was not available at the time of variant classification. Additional details can be found in publication PMID: 35346344, PMCID: PMC8962531

Ambry Genetics
Classification: Likely benign for Hereditary cancer-predisposing syndrome. Last evaluated: 2022-05-01. Review status: criteria provided, single submitter. Criteria: Ambry Variant Classification Scheme 2023. Collection method: clinical testing. Allele origin: germline.

GeneDx
Classification: Likely benign. Last evaluated: 2020-01-18. Review status: criteria provided, single submitter. Criteria: GeneDx Variant Classification Process June 2021. Collection method: clinical testing. Allele origin: germline. Affected: yes.
Comment: This variant is associated with the following publications: (PMID: 27721366)

Color Diagnostics, LLC DBA Color Health
Classification: Likely benign for Hereditary cancer-predisposing syndrome. Last evaluated: 2019-09-09. Review status: criteria provided, single submitter. Criteria: ACMG Guidelines, 2015. Collection method: clinical testing. Allele origin: germline.

NM_000455.5(STK11):c.48G>A (p.Glu16=)

Gene: STK11 (serine/threonine kinase 11; plus strand). Cytogenetic location: 19p13.3.
Variant type: single nucleotide variant.
Coding change: c.48G>A on transcript NM_000455.5 (MANE Select); coding-DNA position 48, G replaced by A.
Protein change: p.Glu16=; no amino-acid change (glutamic acid 16 retained).
Molecular consequence: synonymous variant.
Genome position (GRCh38, 1-based): chr19:1,206,961, G>A. VCF-style: chr19-1206961-G-A. GRCh37 (hg19) VCF-style: chr19-1206960-G-A.
Identifiers: ClinVar variation 391105 (VCV000391105.22), dbSNP rs969419908, ClinGen allele CA16608820.
Genomic context (GRCh38, chr19:1,206,961, plus strand): 5'-CCCTGGGTCCAGCATGGAGGTGGTGGACCCGCAGCAGCTGGGCATGTTCACGGAGGGCGA[G>A]CTGATGTCGGTGGGTATGGACACGTTCATCCACCGCATCGACTCCACCGAGGTCATCTAC-3'
Protein context (NP_000446.1, residues 6-26): PQQLGMFTEG[Glu16=]LMSVGMDTFI